The following is an entry in ClinVar:

NM_000321.3(RB1):c.1982G>A (p.Arg661Gln)

Gene: RB1 (RB transcriptional corepressor 1; plus strand). Cytogenetic location: 13q14.2.
Variant type: single nucleotide variant.
Coding change: c.1982G>A on transcript NM_000321.3 (MANE Select); coding-DNA position 1982, G replaced by A.
Protein change: p.Arg661Gln; replaces arginine 661 with glutamine.
Molecular consequence: missense variant.
Genome position (GRCh38, 1-based): chr13:48,459,709, G>A. VCF-style: chr13-48459709-G-A. GRCh37 (hg19) VCF-style: chr13-49033845-G-A.
Other names: short protein forms R661Q.
Identifiers: ClinVar variation 820461 (VCV000820461.16), dbSNP rs750578651, ClinGen allele CA033613.

ClinVar aggregate classification (germline): Uncertain significance. Review status: criteria provided, multiple submitters, no conflicts (2 of 4 stars). 5 submissions from 5 submitters: Uncertain significance (5). Last evaluated 2025-11-05.

Conditions:
Retinoblastoma (RB1). Also called: RETINOBLASTOMA, SOMATIC. Identifiers: Orphanet 790, MedGen C0035335, MeSH D012175, MONDO:0008380, OMIM 180200, HP:0009919. Disease mechanism: loss of function. Inheritance: Both sporadic and heritable forms are tested..
Hereditary cancer-predisposing syndrome. Also called: Neoplastic Syndromes, Hereditary; Tumor predisposition; Hereditary Cancer Syndrome; Hereditary neoplastic syndrome. Identifiers: Orphanet 140162, MedGen C0027672, MeSH D009386, MONDO:0015356.
Malignant tumor of urinary bladder. Also called: Bladder cancer; Urinary bladder cancer; Urinary Bladder Neoplasms. Identifiers: MedGen C0005684, MONDO:0001187, OMIM 109800.

Allele frequency attached by ClinVar (database versions not stated): gnomAD exomes below 0.00001; TOPMed below 0.00001; gnomAD 0.00001.
gnomAD v4.1: 6 of 1,613,604 alleles (0.00037%); highest among the groups gnomAD compares: African/African-American, 0.0027%; no homozygotes.

Submissions (5):

Ambry Genetics
Classification: Uncertain significance for Hereditary cancer-predisposing syndrome. Last evaluated: 2025-11-05. Review status: criteria provided, single submitter. Criteria: Ambry Variant Classification Scheme 2023. Collection method: clinical testing. Allele origin: germline.
Comment: The p.R661Q variant (also known as c.1982G>A), located in coding exon 20 of the RB1 gene, results from a G to A substitution at nucleotide position 1982. The arginine at codon 661 is replaced by glutamine, an amino acid with highly similar properties. This amino acid position is highly conserved in available vertebrate species. In addition, this alteration is predicted to be deleterious by in silico analysis. Based on the available evidence, the clinical significance of this variant remains unclear.

Genomic Medicine Center of Excellence, King Faisal Specialist Hospital and Research Centre
Classification: Uncertain significance for Retinoblastoma. Last evaluated: 2025-09-10. Review status: criteria provided, single submitter. Criteria: ACMG Guidelines, 2015. Collection method: clinical testing. Allele origin: germline.

All of Us Research Program, National Institutes of Health
Classification: Uncertain significance for Retinoblastoma. Last evaluated: 2024-08-06. Review status: criteria provided, single submitter. Criteria: ACMG Guidelines, 2015. Collection method: clinical testing. Allele origin: germline. Inheritance: Autosomal dominant inheritance. Observed: 1 variant allele, 1 heterozygote.
Comment: This study involves interpretation of variants in research participants for the purpose of population health screening. Participant phenotype was not available at the time of variant classification. Additional details can be found in publication PMID: 35346344, PMCID: PMC8962531

Labcorp Genetics (formerly Invitae), Labcorp
Classification: Uncertain significance for Retinoblastoma. Last evaluated: 2023-10-04. Review status: criteria provided, single submitter. Criteria: Invitae Variant Classification Sherloc (09022015). Collection method: clinical testing. Allele origin: germline.
Comment: This sequence change replaces arginine, which is basic and polar, with glutamine, which is neutral and polar, at codon 661 of the RB1 protein (p.Arg661Gln). This variant is present in population databases (rs750578651, gnomAD 0.0009%). This variant has not been reported in the literature in individuals affected with RB1-related conditions. ClinVar contains an entry for this variant (Variation ID: 820461). Advanced modeling of protein sequence and biophysical properties (such as structural, functional, and spatial information, amino acid conservation, physicochemical variation, residue mobility, and thermodynamic stability) performed at Invitae indicates that this missense variant is expected to disrupt RB1 protein function. This variant disrupts the p.Arg661 amino acid residue in RB1. Other variant(s) that disrupt this residue have been determined to be pathogenic (PMID: 1352883, 12541220, 16269091, 17096365, 24225018, 26925970). This suggests that this residue is clinically significant, and that variants that disrupt this residue are likely to be disease-causing. In summary, the available evidence is currently insufficient to determine the role of this variant in disease. Therefore, it has been classified as a Variant of Uncertain Significance.

Baylor Genetics
Classification: Uncertain significance for Malignant tumor of urinary bladder. Last evaluated: 2023-09-19. Review status: criteria provided, single submitter. Criteria: ACMG Guidelines, 2015. Collection method: clinical testing. Allele origin: unknown.

Literature cited by the submitters: PubMed 28875981 (cited by Ambry Genetics); PubMed 1352883 (cited by Labcorp Genetics (formerly Invitae), Labcorp); PubMed 12541220 (cited by Labcorp Genetics (formerly Invitae), Labcorp); PubMed 16269091 (cited by Labcorp Genetics (formerly Invitae), Labcorp); PubMed 17096365 (cited by Labcorp Genetics (formerly Invitae), Labcorp); PubMed 24225018 (cited by Labcorp Genetics (formerly Invitae), Labcorp); PubMed 26925970 (cited by Labcorp Genetics (formerly Invitae), Labcorp).